The following is an entry in ClinVar:

ClinVar aggregate classification (germline): Conflicting classifications of pathogenicity. Review status: criteria provided, conflicting classifications (1 of 4 stars). 4 submissions from 4 submitters: Uncertain significance (1); Likely benign (2). 1 of the submissions does not count toward it. Last evaluated 2024-04-01.

Conditions:
TTN-related disorder. Also called: TTN-related condition; TTN-related disease; TTN-related disorders.

Allele frequency attached by ClinVar (database versions not stated): ESP Exome Variant Server 0.00023; TOPMed 0.00025; 1000 Genomes Project 30x 0.00047.
gnomAD v4.1: 81 of 1,613,052 alleles (0.005%); highest among the groups gnomAD compares: African/African-American, 0.097%; no homozygotes.

Submissions (4):

CeGaT Center for Human Genetics Tuebingen
Classification: Likely benign. Last evaluated: 2024-04-01. Review status: criteria provided, single submitter. Criteria: CeGaT Center For Human Genetics Tuebingen Variant Classification Criteria Version 2. Collection method: clinical testing. Allele origin: germline. Affected: yes. Observed: 1 variant allele.
Comment: TTN: BP4, BP7

Eurofins Ntd Llc (ga)
Classification: Uncertain significance. Last evaluated: 2017-11-29. Review status: criteria provided, single submitter. Criteria: EGL Classification Definitions 2015. Collection method: clinical testing. Allele origin: germline. Observed: 1 variant allele, 1 heterozygote.

GeneDx
Classification: Likely benign. Last evaluated: 2016-08-15. Review status: criteria provided, single submitter. Criteria: GeneDx Variant Classification (06012015). Collection method: clinical testing. Allele origin: germline. Affected: yes.
Comment: This variant is considered likely benign or benign based on one or more of the following criteria: it is a conservative change, it occurs at a poorly conserved position in the protein, it is predicted to be benign by multiple in silico algorithms, and/or has population frequency not consistent with disease.

PreventionGenetics, part of Exact Sciences
Classification: Likely benign for TTN-related condition. Last evaluated: 2020-06-16. Review status: no assertion criteria provided. Collection method: clinical testing. Allele origin: germline. Not counted in ClinVar's aggregate classification.
Comment: This variant is classified as likely benign based on ACMG/AMP sequence variant interpretation guidelines (Richards et al. 2015 PMID: 25741868, with internal and published modifications).

NM_133379.5(TTN):c.12699T>C (p.Ala4233=)

Gene: TTN (titin; minus strand). Cytogenetic location: 2q31.2.
Variant type: single nucleotide variant.
Coding change: c.12699T>C on transcript NM_133379.5; coding-DNA position 12699, T replaced by C.
Protein change: p.Ala4233=; no amino-acid change (alanine 4233 retained).
Molecular consequence: synonymous variant. On other transcripts: intron variant (6).
Genome position (GRCh38, 1-based): chr2:178,749,701, A>G on the plus strand (T>C on the coding strand, the complement: TTN is on the minus strand). VCF-style: chr2-178749701-A-G. GRCh37 (hg19) VCF-style: chr2-179614428-A-G.
Other names: c.10222+3423T>C (NM_003319.4); c.10798+3423T>C (NM_133437.4); c.10597+3423T>C (NM_133432.3); c.10360+3423T>C (NM_133378.4, NM_001256850.1); c.11311+3423T>C (NM_001267550.2); c.12699T>C (NM_133379.4).
Identifiers: ClinVar variation 378802 (VCV000378802.26), dbSNP rs185931752, ClinGen allele CA2003521.
Genomic context (GRCh38, chr2:178,749,701, plus strand): 5'-ATAAGTGACAGGCTCCACTGTTAGATCTGAAACACTTTCAACTGCCCCTGAATTGTTTTC[A>G]GCAACACATTTATATTTTCCAGAATCTTGAGAATTAACATCCTTAATATATAATTGGTGG-3'